The following is an entry in ClinVar:

NM_144672.4(OTOA):c.3075G>A (p.Glu1025=)

Gene: OTOA (otoancorin). Cytogenetic location: 16p12.2.
Variant type: single nucleotide variant.
Coding change: c.3075G>A on transcript NM_144672.4 (MANE Select); coding-DNA position 3075, G replaced by A.
Protein change: p.Glu1025=; no amino-acid change (glutamic acid 1025 retained).
Molecular consequence: synonymous variant.
Genome position (GRCh38, 1-based): chr16:21,753,046, G>A. VCF-style: chr16-21753046-G-A. GRCh37 (hg19) VCF-style: chr16-21764367-G-A.
Other names: c.2838G>A, p.Glu946= (NM_001161683.2); c.2103G>A, p.Glu701= (NM_170664.3).
Identifiers: ClinVar variation 1214726 (VCV001214726.27), dbSNP rs367850663, ClinGen allele CA7953040.

ClinVar aggregate classification (germline): Likely benign. Review status: criteria provided, multiple submitters, no conflicts (2 of 4 stars). 2 submissions from 2 submitters: Likely benign (2). Last evaluated 2025-10-01.

Allele frequency attached by ClinVar (database versions not stated): ESP Exome Variant Server 0.00070; gnomAD exomes 0.00137; gnomAD 0.00166 and 0.00178; ExAC 0.00272.

Submissions (2):

CeGaT Center for Human Genetics Tuebingen
Classification: Likely benign. Last evaluated: 2025-10-01. Review status: criteria provided, single submitter. Criteria: CeGaT Center For Human Genetics Tuebingen Variant Classification Criteria Version 2. Collection method: clinical testing. Allele origin: germline. Affected: yes. Observed: 3 variant alleles.
Comment: OTOA: BP4, BP7

GeneDx
Classification: Likely benign. Last evaluated: 2020-07-16. Review status: criteria provided, single submitter. Criteria: GeneDx Variant Classification Process June 2021. Collection method: clinical testing. Allele origin: germline. Affected: yes.